The following is an entry in ClinVar:

ClinVar aggregate classification (germline): Uncertain significance (1 of 4 stars; one submission).

Conditions:
Familial focal epilepsy with variable foci (FPEVF). Identifiers: Orphanet 98820, MedGen C1858477, MONDO:0020310.

Allele frequency attached by ClinVar (database versions not stated): ExAC 0.00001; TOPMed 0.00001.
gnomAD v4.1: 8 of 1,614,068 alleles (0.0005%); highest among the groups gnomAD compares: Admixed American, 0.0017%; no homozygotes.

Submission:

Labcorp Genetics (formerly Invitae), Labcorp
Classification: Uncertain significance for Familial focal epilepsy with variable foci. Last evaluated: 2024-12-07. Review status: criteria provided, single submitter. Criteria: Invitae Variant Classification Sherloc (09022015). Collection method: clinical testing. Allele origin: germline.
Comment: This sequence change falls in intron 16 of the DEPDC5 gene. It does not directly change the encoded amino acid sequence of the DEPDC5 protein. It affects a nucleotide within the consensus splice site. This variant is present in population databases (rs746751382, gnomAD 0.01%). This variant has not been reported in the literature in individuals affected with DEPDC5-related conditions. ClinVar contains an entry for this variant (Variation ID: 1017336). Variants that disrupt the consensus splice site are a relatively common cause of aberrant splicing (PMID: 17576681, 9536098). Algorithms developed to predict the effect of sequence changes on RNA splicing suggest that this variant is not likely to affect RNA splicing. In summary, the available evidence is currently insufficient to determine the role of this variant in disease. Therefore, it has been classified as a Variant of Uncertain Significance.

Literature cited by the submitters: PubMed 17576681; PubMed 9536098.

NM_001242896.3(DEPDC5):c.1143+6T>G

Gene: DEPDC5 (DEP domain containing 5, GATOR1 subcomplex subunit; plus strand). Cytogenetic location: 22q12.3.
Variant type: single nucleotide variant.
Coding change: c.1143+6T>G on transcript NM_001242896.3 (MANE Select); 6 bases into the intron after coding-DNA position 1143, T replaced by G.
Molecular consequence: intron variant.
Genome position (GRCh38, 1-based): chr22:31,804,229, T>G. VCF-style: chr22-31804229-T-G. GRCh37 (hg19) VCF-style: chr22-32200215-T-G.
Other names: c.1143+6T>G (NM_001364318.2, NM_001136029.4, NM_014662.6 and 7 more transcripts); c.1059+6T>G (NM_001369902.1, NM_001369901.1).
Identifiers: ClinVar variation 1017336 (VCV001017336.6), dbSNP rs746751382, ClinGen allele CA10196240.
Genomic context (GRCh38, chr22:31,804,229, plus strand): 5'-TGTGGATTTGGTGTGCATGGGAGAGCAACCGTTACATGCTGTCCCATTGTTCAAGGTAAT[T>G]AGATTTCGGATTTGTTTACTAAAGGCCAGTTGGAGTATAGTTAGAAAGAGAAAAATTCCA-3'